The following is an entry in ClinVar:

NM_000348.4(SRD5A2):c.704A>T (p.Tyr235Phe)

Gene: SRD5A2 (steroid 5 alpha-reductase 2; minus strand). Cytogenetic location: 2p23.1.
Variant type: single nucleotide variant.
Coding change: c.704A>T on transcript NM_000348.4 (MANE Select); coding-DNA position 704, A replaced by T.
Protein change: p.Tyr235Phe; replaces tyrosine 235 with phenylalanine.
Molecular consequence: missense variant.
Genome position (GRCh38, 1-based): chr2:31,526,257, T>A on the plus strand (A>T on the coding strand, the complement: SRD5A2 is on the minus strand). VCF-style: chr2-31526257-T-A. GRCh37 (hg19) VCF-style: chr2-31751327-T-A.
Other names: p.Tyr235Phe; short protein forms Y235F.
Identifiers: ClinVar variation 459644 (VCV000459644.12), dbSNP rs772283403, ClinGen allele CA1599849.

ClinVar aggregate classification (germline): Pathogenic. Review status: criteria provided, multiple submitters, no conflicts (2 of 4 stars). 4 submissions from 4 submitters: Pathogenic (4). Last evaluated 2026-09-28.

Conditions:
3-Oxo-5 alpha-steroid delta 4-dehydrogenase deficiency (PPSH). Also called: PSEUDOVAGINAL PERINEOSCROTAL HYPOSPADIAS; FAMILIAL INCOMPLETE MALE PSEUDOHERMAPHRODITISM, TYPE 2; MALE PSEUDOHERMAPHRODITISM DUE TO 5-ALPHA-REDUCTASE DEFICIENCY; 46,XY disorder of sex development due to 5-alpha-reductase 2 deficiency. Identifiers: Orphanet 753, MedGen C0268297, MONDO:0009923, OMIM 264600. Disease mechanism: loss of function.

Allele frequency attached by ClinVar (database versions not stated): ExAC 0.00006; gnomAD 0.00001; TOPMed 0.00001.
gnomAD v4.1: 16 of 1,577,648 alleles (0.001%); highest among the groups gnomAD compares: Middle Eastern, 0.017%; no homozygotes.

Submissions (4):

Department of Molecular Genetics, Istishari Arab Hospital
Classification: Pathogenic for 3-Oxo-5 alpha-steroid delta 4-dehydrogenase deficiency. Last evaluated: 2026-09-28. Review status: criteria provided, single submitter. Criteria: ACMG Guidelines, 2015. Collection method: clinical testing. Allele origin: germline. Inheritance: Autosomal recessive inheritance. Affected: yes.
Comment: The SRD5A2 variant c.704A>T, p.Tyr235Phe creates an amino acid change from Tyr to Phe at codon 235 in exon 5 (of 5). This variant was observed with very low frequency in the gnomAD v4.1.0 dataset (<0.001). This variant was previously reported in individuals with Pseudovaginal perineoscrotal hypospadias (PMID: 12699446‚ 16181229‚ 17609295‚ 21147889‚ 25266188‚ 27070133‚ 8110760). It is classified as pathogenic based on the implementation of the ACMG/AMP/ClinGen SVI guidelines.

Labcorp Genetics (formerly Invitae), Labcorp
Classification: Pathogenic for 3-Oxo-5 alpha-steroid delta 4-dehydrogenase deficiency. Last evaluated: 2025-10-14. Review status: criteria provided, single submitter. Criteria: Invitae Variant Classification Sherloc (09022015). Collection method: clinical testing. Allele origin: germline.
Comment: This sequence change replaces tyrosine, which is neutral and polar, with phenylalanine, which is neutral and non-polar, at codon 235 of the SRD5A2 protein (p.Tyr235Phe). The frequency data for this variant in the population databases is considered unreliable, as metrics indicate poor data quality at this position in the gnomAD database. This missense change has been observed in individual(s) with steroid 5-alpha-reductase 2 deficiency (PMID: 8110760, 12699446, 16181229, 17609295, 21147889, 25266188, 27070133). In at least one individual the data is consistent with being in trans (on the opposite chromosome) from a pathogenic variant. ClinVar contains an entry for this variant (Variation ID: 459644). Invitae Evidence Modeling of protein sequence and biophysical properties (such as structural, functional, and spatial information, amino acid conservation, physicochemical variation, residue mobility, and thermodynamic stability) indicates that this missense variant is expected to disrupt SRD5A2 protein function with a positive predictive value of 80%. For these reasons, this variant has been classified as Pathogenic.

Centre of Medical Genetics, University Hospital Muenster
Classification: Pathogenic. Last evaluated: 2022-07-27. Review status: criteria provided, single submitter. Criteria: ACMG Guidelines, 2015. Collection method: clinical testing. Allele origin: unknown. Affected: yes. Observed: 1 variant allele, 1 homozygote.
Comment: ACMG categories: PS1,PS4,PP5,BP1

Genomic Medicine Lab, University of California San Francisco
Classification: Pathogenic for 3-Oxo-5 alpha-steroid delta 4-dehydrogenase deficiency. Last evaluated: 2018-09-27. Review status: criteria provided, single submitter. Criteria: ACMG Guidelines, 2015. Collection method: clinical testing. Allele origin: inherited. Inheritance: Autosomal recessive inheritance. Affected: yes. Study: CSER.

Literature cited by the submitters: PubMed 12699446 (cited by Department of Molecular Genetics, Istishari Arab Hospital and Labcorp Genetics (formerly Invitae), Labcorp); PubMed 16181229 (cited by Department of Molecular Genetics, Istishari Arab Hospital and Labcorp Genetics (formerly Invitae), Labcorp); PubMed 17609295 (cited by Department of Molecular Genetics, Istishari Arab Hospital and Labcorp Genetics (formerly Invitae), Labcorp); PubMed 21147889 (cited by Department of Molecular Genetics, Istishari Arab Hospital and Labcorp Genetics (formerly Invitae), Labcorp); PubMed 25266188 (cited by Department of Molecular Genetics, Istishari Arab Hospital and Labcorp Genetics (formerly Invitae), Labcorp); PubMed 27070133 (cited by Department of Molecular Genetics, Istishari Arab Hospital and Labcorp Genetics (formerly Invitae), Labcorp); PubMed 8110760 (cited by Department of Molecular Genetics, Istishari Arab Hospital and Labcorp Genetics (formerly Invitae), Labcorp).